The following is an entry in ClinVar:

NM_001330260.2(SCN8A):c.3345C>T (p.Ser1115=)

Gene: SCN8A (sodium voltage-gated channel alpha subunit 8; plus strand). Cytogenetic location: 12q13.13.
Variant type: single nucleotide variant.
Coding change: c.3345C>T on transcript NM_001330260.2 (MANE Select); coding-DNA position 3345, C replaced by T.
Protein change: p.Ser1115=; no amino-acid change (serine 1115 retained).
Molecular consequence: synonymous variant.
Genome position (GRCh38, 1-based): chr12:51,769,308, C>T. VCF-style: chr12-51769308-C-T. GRCh37 (hg19) VCF-style: chr12-52163092-C-T.
Other names: c.3345C>T, p.Ser1115= (NM_001177984.3, NM_001369788.1, NM_014191.4).
Identifiers: ClinVar variation 586525 (VCV000586525.11), dbSNP rs745966369, ClinGen allele CA6571579.

ClinVar aggregate classification (germline): Uncertain significance. Review status: criteria provided, multiple submitters, no conflicts (2 of 4 stars). 2 submissions from 2 submitters: Uncertain significance (2). Last evaluated 2024-09-09.

Conditions:
Early-infantile DEE. Also called: Early infantile epileptic encephalopathy; Early infantile epileptic encephalopathy with suppression bursts; Ohtahara syndrome. Identifiers: Orphanet 1934, MedGen C0393706, MONDO:0800491.

Allele frequency attached by ClinVar (database versions not stated): gnomAD exomes 0.00001; TOPMed 0.00001; ExAC 0.00003; gnomAD 0.00001.
gnomAD v4.1: 18 of 1,596,552 alleles (0.0011%); highest among the groups gnomAD compares: East Asian, 0.0022%; no homozygotes.

Submissions (2):

Labcorp Genetics (formerly Invitae), Labcorp
Classification: Uncertain significance for Early-infantile DEE. Last evaluated: 2024-09-09. Review status: criteria provided, single submitter. Criteria: Invitae Variant Classification Sherloc (09022015). Collection method: clinical testing. Allele origin: germline.
Comment: This sequence change affects codon 1115 of the SCN8A mRNA. It is a 'silent' change, meaning that it does not change the encoded amino acid sequence of the SCN8A protein. This variant is present in population databases (rs745966369, gnomAD 0.006%). This variant has not been reported in the literature in individuals affected with SCN8A-related conditions. ClinVar contains an entry for this variant (Variation ID: 586525). Algorithms developed to predict the effect of sequence changes on RNA splicing suggest that this variant may create or strengthen a splice site. In summary, the available evidence is currently insufficient to determine the role of this variant in disease. Therefore, it has been classified as a Variant of Uncertain Significance.

Athena Diagnostics
Classification: Uncertain significance. Last evaluated: 2018-06-13. Review status: criteria provided, single submitter. Criteria: Athena Diagnostics Criteria. Collection method: clinical testing. Allele origin: germline.